The following is an entry in ClinVar:

ClinVar aggregate classification (germline): Likely benign (1 of 4 stars; one submission).

Allele frequency attached by ClinVar (database versions not stated): 1000 Genomes Project 0.00636; 1000 Genomes Project 30x 0.00770; gnomAD 0.01200 and 0.01241; TOPMed 0.01263.
gnomAD v4.1: 1,342 of 111,004 alleles (1.2%); highest among the groups gnomAD compares: Non-Finnish European, 1.9%; 15 homozygotes.

Submission:

GeneDx
Classification: Likely benign. Last evaluated: 2018-06-16. Review status: criteria provided, single submitter. Criteria: GeneDx Variant Classification (06012015). Collection method: clinical testing. Allele origin: germline. Affected: yes.
Comment: This variant is considered likely benign or benign based on one or more of the following criteria: it is a conservative change, it occurs at a poorly conserved position in the protein, it is predicted to be benign by multiple in silico algorithms, and/or has population frequency not consistent with disease.

NM_001111125.3(IQSEC2):c.708-258A>T

Gene: IQSEC2 (IQ motif and Sec7 domain ArfGEF 2; minus strand). Cytogenetic location: Xp11.22.
Variant type: single nucleotide variant.
Coding change: c.708-258A>T on transcript NM_001111125.3 (MANE Select); 258 bases into the intron before coding-DNA position 708, A replaced by T.
Molecular consequence: intron variant.
Genome position (GRCh38, 1-based): chrX:53,292,182, T>A on the plus strand (A>T on the coding strand, the complement: IQSEC2 is on the minus strand). VCF-style: chrX-53292182-T-A. GRCh37 (hg19) VCF-style: chrX-53321364-T-A.
Identifiers: ClinVar variation 673543 (VCV000673543.1), dbSNP rs138126527, ClinGen allele CA329901726.